The following is an entry in ClinVar:

ClinVar aggregate classification (germline): Likely benign (1 of 4 stars; one submission).

Allele frequency attached by ClinVar (database versions not stated): TOPMed 0.00001; gnomAD exomes 0.00005; ExAC 0.00014.
gnomAD v4.1: 62 of 1,408,212 alleles (0.0044%); highest among the groups gnomAD compares: South Asian, 0.05%; no homozygotes.

Submission:

CeGaT Center for Human Genetics Tuebingen
Classification: Likely benign. Last evaluated: 2023-01-01. Review status: criteria provided, single submitter. Criteria: CeGaT Center For Human Genetics Tuebingen Variant Classification Criteria Version 2. Collection method: clinical testing. Allele origin: germline. Affected: yes. Observed: 1 variant allele.
Comment: NFATC1: BP4, BP7

NM_001278669.2(NFATC1):c.102C>T (p.Gly34=)

Gene: NFATC1 (nuclear factor of activated T cells 1; plus strand). Cytogenetic location: 18q23.
Variant type: single nucleotide variant.
Coding change: c.102C>T on transcript NM_001278669.2 (MANE Select); coding-DNA position 102, C replaced by T.
Protein change: p.Gly34=; no amino-acid change (glycine 34 retained).
Molecular consequence: synonymous variant. On other transcripts: 5 prime UTR variant (1).
Genome position (GRCh38, 1-based): chr18:79,396,326, C>T. VCF-style: chr18-79396326-C-T. GRCh37 (hg19) VCF-style: chr18-77156326-C-T.
Other names: c.102C>T, p.Gly34= (NM_001278670.2, NM_006162.5, NM_172390.3); c.-216C>T (NM_172388.3).
Identifiers: ClinVar variation 2648826 (VCV002648826.24), dbSNP rs780732210, ClinGen allele CA9008654.